The following is an entry in ClinVar:

ClinVar aggregate classification (germline): Likely pathogenic (1 of 4 stars; one submission).

Conditions:
Primary ciliary dyskinesia. Also called: Ciliary dyskinesia. Identifiers: Orphanet 244, MedGen C0008780, MONDO:0016575, HP:0012265.

Submission:

Labcorp Genetics (formerly Invitae), Labcorp
Classification: Likely pathogenic for Ciliary dyskinesia. Last evaluated: 2018-01-17. Review status: criteria provided, single submitter. Criteria: Invitae Variant Classification Sherloc (09022015). Collection method: clinical testing. Allele origin: germline.
Comment: This variant is an in-frame deletion of the genomic region encompassing exons 48-58 of the DNAH5 gene. It preserves the integrity of the reading frame. This variant has not been reported in the literature in individuals with DNAH5-related disease. Several missense substitutions in this region (p.Ala2881Gly, p.Arg2833His, p.Arg2677Gln) have been determined to be pathogenic (Invitae). This suggests that this region is critical for DNAH5 protein function and that a deletion of this region may also be pathogenic. In summary, the currently available evidence indicates that the variant is pathogenic, but additional data are needed to prove that conclusively. Therefore, this variant has been classified as Likely Pathogenic.

NC_000005.10:g.(?_13768960)_(13794058_?)del

Gene: DNAH5 (dynein axonemal heavy chain 5; minus strand). Cytogenetic location: 5p15.2.
Variant type: Deletion.
Identifiers: ClinVar variation 584140 (VCV000584140.1).